The following is an entry in ClinVar:

NM_018474.6(KIZ):c.1387G>A (p.Ala463Thr)

Genes: KIZ (kizuna centrosomal protein; plus strand), KIZ-AS1 (KIZ antisense RNA 1; minus strand). Cytogenetic location: 20p11.23.
Variant type: single nucleotide variant.
Coding change: c.1387G>A on transcript NM_018474.6 (MANE Select); coding-DNA position 1387, G replaced by A.
Protein change: p.Ala463Thr; replaces alanine 463 with threonine.
Molecular consequence: missense variant.
Genome position (GRCh38, 1-based): chr20:21,205,525, G>A. VCF-style: chr20-21205525-G-A. GRCh37 (hg19) VCF-style: chr20-21186163-G-A.
Other names: c.1078G>A, p.Ala360Thr (NM_001163022.3, NM_001352435.2); c.988G>A, p.Ala330Thr (NM_001163023.3); c.1240G>A, p.Ala414Thr (NM_001276389.2); c.1387G>A, p.Ala463Thr (NM_001352434.2); c.1045G>A, p.Ala349Thr (NM_001352436.2); short protein forms A414T, A360T, A330T, A463T, A349T.
Identifiers: ClinVar variation 967049 (VCV000967049.7), dbSNP rs960994051, ClinGen allele CA312984363.

ClinVar aggregate classification (germline): Uncertain significance (1 of 4 stars; one submission).

Allele frequency attached by ClinVar (database versions not stated): gnomAD 0.00001 and 0.00005; TOPMed 0.00004; gnomAD exomes 0.00006; 1000 Genomes Project 30x 0.00047.
gnomAD v4.1: 88 of 1,565,040 alleles (0.0056%); highest among the groups gnomAD compares: East Asian, 0.19%; 1 homozygote.

Submission:

Labcorp Genetics (formerly Invitae), Labcorp
Classification: Uncertain significance. Last evaluated: 2023-08-17. Review status: criteria provided, single submitter. Criteria: Invitae Variant Classification Sherloc (09022015). Collection method: clinical testing. Allele origin: germline.
Comment: In summary, the available evidence is currently insufficient to determine the role of this variant in disease. Therefore, it has been classified as a Variant of Uncertain Significance. Experimental studies and prediction algorithms are not available or were not evaluated, and the functional significance of this variant is currently unknown. ClinVar contains an entry for this variant (Variation ID: 967049). This variant has not been reported in the literature in individuals affected with KIZ-related conditions. This variant is not present in population databases (gnomAD no frequency). This sequence change replaces alanine, which is neutral and non-polar, with threonine, which is neutral and polar, at codon 463 of the KIZ protein (p.Ala463Thr).